The following is an entry in ClinVar:

ClinVar aggregate classification (germline): Uncertain significance (1 of 4 stars; one submission).

Conditions:
Inborn genetic diseases. Identifiers: MedGen C0950123, MeSH D030342.

Submission:

Ambry Genetics
Classification: Uncertain significance for Inborn genetic diseases. Last evaluated: 2025-12-10. Review status: criteria provided, single submitter. Criteria: Ambry Variant Classification Scheme 2023. Collection method: clinical testing. Allele origin: germline.
Comment: The p.D134N variant (also known as c.400G>A), located in coding exon 2 of the LTBP3 gene, results from a G to A substitution at nucleotide position 400. The aspartic acid at codon 134 is replaced by asparagine, an amino acid with highly similar properties. This amino acid position is conserved. In addition, this alteration is predicted to be tolerated by in silico analysis. Based on the available evidence, the clinical significance of this variant remains unclear.

NM_001130144.3(LTBP3):c.400G>A (p.Asp134Asn)

Gene: LTBP3 (latent transforming growth factor beta binding protein 3; minus strand). Cytogenetic location: 11q13.1.
Variant type: single nucleotide variant.
Coding change: c.400G>A on transcript NM_001130144.3 (MANE Select); coding-DNA position 400, G replaced by A.
Protein change: p.Asp134Asn; replaces aspartic acid 134 with asparagine.
Molecular consequence: missense variant.
Genome position (GRCh38, 1-based): chr11:65,554,312, C>T on the plus strand (G>A on the coding strand, the complement: LTBP3 is on the minus strand). VCF-style: chr11-65554312-C-T. GRCh37 (hg19) VCF-style: chr11-65321783-C-T.
Other names: c.49G>A, p.Asp17Asn (NM_001164266.1); c.400G>A, p.Asp134Asn (NM_021070.4); short protein forms D17N, D134N.
Identifiers: ClinVar variation 4624015 (VCV004624015.1).